The following is an entry in ClinVar:

ClinVar aggregate classification (germline): Pathogenic (1 of 4 stars; one submission).

Conditions:
Baller-Gerold syndrome (BGS). Also called: CRANIOSYNOSTOSIS WITH RADIAL DEFECTS. Identifiers: Orphanet 1225, MedGen C0265308, MONDO:0009039, OMIM 218600.

Allele frequency attached by ClinVar (database versions not stated): TOPMed below 0.00001.

Submission:

Labcorp Genetics (formerly Invitae), Labcorp
Classification: Pathogenic for Baller-Gerold syndrome. Last evaluated: 2024-04-16. Review status: criteria provided, single submitter. Criteria: Invitae Variant Classification Sherloc (09022015). Collection method: clinical testing. Allele origin: germline.
Comment: This sequence change creates a premature translational stop signal (p.Gln693*) in the RECQL4 gene. It is expected to result in an absent or disrupted protein product. Loss-of-function variants in RECQL4 are known to be pathogenic (PMID: 12734318, 12952869). This variant is not present in population databases (gnomAD no frequency). This premature translational stop signal has been observed in individual(s) with pancreatic cancer (PMID: 29506128). ClinVar contains an entry for this variant (Variation ID: 1454208). Algorithms developed to predict the effect of sequence changes on RNA splicing suggest that this variant may disrupt the consensus splice site. For these reasons, this variant has been classified as Pathogenic.

Literature cited by the submitters: PubMed 12734318; PubMed 12952869; PubMed 29506128.

NM_004260.4(RECQL4):c.2077C>T (p.Gln693Ter)

Gene: RECQL4 (RecQ like helicase 4; minus strand). Cytogenetic location: 8q24.3.
Variant type: single nucleotide variant.
Coding change: c.2077C>T on transcript NM_004260.4 (MANE Select); coding-DNA position 2077, C replaced by T.
Protein change: p.Gln693Ter; replaces glutamine 693 with a stop codon.
Molecular consequence: nonsense.
Genome position (GRCh38, 1-based): chr8:144,513,694, G>A on the plus strand (C>T on the coding strand, the complement: RECQL4 is on the minus strand). VCF-style: chr8-144513694-G-A. GRCh37 (hg19) VCF-style: chr8-145739078-G-A.
Other names: short protein forms Q693*.
Identifiers: ClinVar variation 1454208 (VCV001454208.8), dbSNP rs1371868658, ClinGen allele CA372680046.